The following is an entry in ClinVar:

ClinVar aggregate classification (germline): Pathogenic/Likely pathogenic. Review status: criteria provided, multiple submitters, no conflicts (2 of 4 stars). 2 submissions from 2 submitters: Pathogenic (1); Likely pathogenic (1). Last evaluated 2025-01-22.

Conditions:
TNFRSF13B-related disorder. Also called: TNFRSF13B-related condition.
Immunodeficiency, common variable, 2 (CVID2). Also called: HYPOGAMMAGLOBULINEMIA DUE TO TACI DEFICIENCY; ANTIBODY DEFICIENCY DUE TO TACI DEFECT. Identifiers: Orphanet 1572, MedGen C3150354, MONDO:0009413, OMIM 240500.

Allele frequency attached by ClinVar (database versions not stated): gnomAD exomes below 0.00001; gnomAD 0.00001; TOPMed 0.00003.
gnomAD v4.1: 3 of 1,614,074 alleles (0.00019%); highest among the groups gnomAD compares: Admixed American, 0.0033%; no homozygotes.

Submissions (2):

PreventionGenetics, part of Exact Sciences
Classification: Likely pathogenic for TNFRSF13B-related condition. Last evaluated: 2025-01-22. Review status: criteria provided, single submitter. Criteria: ACMG Guidelines, 2015. Collection method: clinical testing. Allele origin: germline.
Comment: The TNFRSF13B c.62-2A>G variant is predicted to disrupt the AG splice acceptor site and interfere with normal splicing. This variant has been reported in the homozygous state in an individual with primary immunodeficiency (Table S2 in Platt et al. 2021. PubMed ID: 32888943). This variant has not been reported in a large population database (gnomAD), indicating this variant is rare. Variants that disrupt the consensus splice acceptor site in TNFRSF13B are expected to be pathogenic. This variant is interpreted as likely pathogenic.

Labcorp Genetics (formerly Invitae), Labcorp
Classification: Pathogenic for Immunodeficiency, common variable, 2. Last evaluated: 2022-11-15. Review status: criteria provided, single submitter. Criteria: Invitae Variant Classification Sherloc (09022015). Collection method: clinical testing. Allele origin: germline.
Comment: Disruption of this splice site has been observed in individual(s) with common variable immunodeficiency (CVID) (Invitae). In at least one individual the data is consistent with being in trans (on the opposite chromosome) from a pathogenic variant. For these reasons, this variant has been classified as Pathogenic. Algorithms developed to predict the effect of sequence changes on RNA splicing suggest that this variant may disrupt the consensus splice site. ClinVar contains an entry for this variant (Variation ID: 1379832). This variant is not present in population databases (gnomAD no frequency). This sequence change affects an acceptor splice site in intron 1 of the TNFRSF13B gene. It is expected to disrupt RNA splicing. Variants that disrupt the donor or acceptor splice site typically lead to a loss of protein function (PMID: 16199547), and loss-of-function variants in TNFRSF13B are known to be pathogenic (PMID: 16007087, 27123465).

Literature cited by the submitters: PubMed 16199547 (cited by Labcorp Genetics (formerly Invitae), Labcorp); PubMed 16007087 (cited by Labcorp Genetics (formerly Invitae), Labcorp); PubMed 27123465 (cited by Labcorp Genetics (formerly Invitae), Labcorp).

NM_012452.3(TNFRSF13B):c.62-2A>G

Gene: TNFRSF13B (TNF receptor superfamily member 13B; minus strand). Cytogenetic location: 17p11.2.
Variant type: single nucleotide variant.
Coding change: c.62-2A>G on transcript NM_012452.3 (MANE Select); the canonical splice acceptor site of the intron before coding-DNA position 62, A replaced by G.
Molecular consequence: splice acceptor variant.
Genome position (GRCh38, 1-based): chr17:16,952,585, T>C on the plus strand (A>G on the coding strand, the complement: TNFRSF13B is on the minus strand). VCF-style: chr17-16952585-T-C. GRCh37 (hg19) VCF-style: chr17-16855899-T-C.
Other names: c.62-2A>G (NM_012452.2).
Identifiers: ClinVar variation 1379832 (VCV001379832.7), dbSNP rs1286673507, ClinGen allele CA398520571.